The following is an entry in ClinVar:

NM_031885.5(BBS2):c.259C>T (p.Leu87Phe)

Gene: BBS2 (Bardet-Biedl syndrome 2; minus strand). Cytogenetic location: 16q13.
Variant type: single nucleotide variant.
Coding change: c.259C>T on transcript NM_031885.5 (MANE Select); coding-DNA position 259, C replaced by T.
Protein change: p.Leu87Phe; replaces leucine 87 with phenylalanine.
Molecular consequence: missense variant. On other transcripts: non-coding transcript variant (5).
Genome position (GRCh38, 1-based): chr16:56,514,539, G>A on the plus strand (C>T on the coding strand, the complement: BBS2 is on the minus strand). VCF-style: chr16-56514539-G-A. GRCh37 (hg19) VCF-style: chr16-56548451-G-A.
Other names: c.259C>T (NM_031885.3); c.259C>T, p.Leu87Phe (NM_001377456.1); short protein forms L87F.
Identifiers: ClinVar variation 2050443 (VCV002050443.2), dbSNP rs1473380265, ClinGen allele CA395985715.

ClinVar aggregate classification (germline): Uncertain significance. Review status: criteria provided, single submitter (1 of 4 stars). 2 submissions from 2 submitters: Uncertain significance (1). 1 of the submissions does not count toward it. Last evaluated 2022-08-09.

Conditions:
BBS2-related disorder. Also called: BBS2-related condition; BBS2-related disorders. Identifiers: MedGen CN239228.
Bardet-Biedl syndrome (BBS). Identifiers: Orphanet 110, MedGen C0752166, MONDO:0015229.

Allele frequency attached by ClinVar (database versions not stated): TOPMed 0.00002; gnomAD 0.00003.

Submissions (2):

Labcorp Genetics (formerly Invitae), Labcorp
Classification: Uncertain significance for Bardet-Biedl syndrome. Last evaluated: 2022-08-09. Review status: criteria provided, single submitter. Criteria: Invitae Variant Classification Sherloc (09022015). Collection method: clinical testing. Allele origin: germline.
Comment: This sequence change replaces leucine, which is neutral and non-polar, with phenylalanine, which is neutral and non-polar, at codon 87 of the BBS2 protein (p.Leu87Phe). This variant is present in population databases (no rsID available, gnomAD 0.008%). This variant has not been reported in the literature in individuals affected with BBS2-related conditions. Algorithms developed to predict the effect of missense changes on protein structure and function are either unavailable or do not agree on the potential impact of this missense change (SIFT: "Tolerated"; PolyPhen-2: "Possibly Damaging"; Align-GVGD: "Class C0"). In summary, the available evidence is currently insufficient to determine the role of this variant in disease. Therefore, it has been classified as a Variant of Uncertain Significance.

PreventionGenetics, part of Exact Sciences
Classification: Uncertain significance for BBS2-related condition. Last evaluated: 2024-04-10. Review status: no assertion criteria provided. Collection method: clinical testing. Allele origin: germline. Not counted in ClinVar's aggregate classification.
Comment: The BBS2 c.259C>T variant is predicted to result in the amino acid substitution p.Leu87Phe. To our knowledge, this variant has not been reported in the literature. This variant is reported in 0.0080% of alleles in individuals of African descent in gnomAD. At this time, the clinical significance of this variant is uncertain due to the absence of conclusive functional and genetic evidence.